The following is an entry in ClinVar:

NM_001370658.1(BTD):c.697C>T (p.Pro233Ser)

Gene: BTD (biotinidase; plus strand). Cytogenetic location: 3p25.1.
Variant type: single nucleotide variant.
Coding change: c.697C>T on transcript NM_001370658.1 (MANE Select); coding-DNA position 697, C replaced by T.
Protein change: p.Pro233Ser; replaces proline 233 with serine.
Molecular consequence: missense variant. On other transcripts: intron variant (1).
Genome position (GRCh38, 1-based): chr3:15,644,613, C>T. VCF-style: chr3-15644613-C-T. GRCh37 (hg19) VCF-style: chr3-15686120-C-T.
Other names: c.757C>T, p.Pro253Ser (NM_000060.4); c.697C>T, p.Pro233Ser (NM_001281723.4, NM_001281724.3, NM_001281725.3 and 18 more transcripts); c.399+2556C>T (NM_001370753.1); c.[763C>T] (NM_001281723.2); short protein forms P233S.
Identifiers: ClinVar variation 25039 (VCV000025039.13), dbSNP rs397514383, ClinGen allele CA278256.
Genomic context (GRCh38, chr3:15,644,613, plus strand): 5'-GATACCCCCTTTGCTGGCAGGTTTGGCATCTTCACATGCTTTGATATATTGTTCTTTGAC[C>T]CTGCCATCAGAGTCCTCAGAGACTACAAGGTGAAGCATGTTGTGTACCCAACTGCCTGGA-3'
Protein context (NP_001357587.1, residues 223-243): FTCFDILFFD[Pro233Ser]AIRVLRDYKV

ClinVar aggregate classification (germline): Conflicting classifications of pathogenicity. Review status: criteria provided, conflicting classifications (1 of 4 stars). 6 submissions from 6 submitters: Pathogenic (1); Likely pathogenic (2); Uncertain significance (1). 2 of the submissions do not count toward it. Last evaluated 2026-03-16.

Conditions:
Biotinidase deficiency. Also called: BTD deficiency; Late-onset biotin-responsive multiple carboxylase deficiency; Biotin deficiency. Identifiers: Orphanet 79241, MedGen C0220754, MONDO:0009665, OMIM 253260.

Allele frequency attached by ClinVar (database versions not stated): gnomAD exomes below 0.00001; TOPMed below 0.00001; gnomAD 0.00001.
gnomAD v4.1: 2 of 1,613,990 alleles (0.00012%); highest among the groups gnomAD compares: East Asian, 0.0045%; no homozygotes.

Submissions (6):

Myriad Genetics, Inc.
Classification: Uncertain significance for Biotinidase deficiency. Last evaluated: 2026-03-16. Review status: criteria provided, single submitter. Criteria: Myriad Autosomal Dominant, Autosomal Recessive and X-Linked Classification Criteria (2023). Collection method: clinical testing. Allele origin: unknown.
Comment: NM_000060.2(BTD):c.757C>T(P253S) is a missense variant classified as a variant of uncertain significance in the context of biotinidase deficiency. P253S has been observed in cases with relevant disease (PMID: 15776412). Relevant functional assessments of this variant are not available in the literature. P253S has not been observed in referenced population frequency databases. In summary, there is insufficient evidence to classify NM_000060.2(BTD):c.757C>T(P253S) as pathogenic or benign. Please note: this variant was assessed in the context of healthy population screening.

Women's Health and Genetics/Laboratory Corporation of America, LabCorp
Classification: Likely pathogenic for Biotinidase deficiency. Last evaluated: 2024-11-08. Review status: criteria provided, single submitter. Criteria: LabCorp Variant Classification Summary - May 2015. Collection method: clinical testing. Allele origin: germline.
Comment: Variant summary: BTD c.697C>T (p.Pro233Ser) results in a non-conservative amino acid change in the encoded protein sequence. Five of five in-silico tools predict a damaging effect of the variant on protein function. The variant was absent in 251436 control chromosomes. c.697C>T has been reported in the literature together with a pathogenic frameshift variant in a compound heterozygous individual affected with Biotinidase Deficiency (Wolf_2005). Biotinidase enzyme activity in this individual was approximately 1% of normal activity (Wolf_2005). The following publication has been ascertained in the context of this evaluation (PMID: 15776412). ClinVar contains an entry for this variant (Variation ID: 25039). Based on the evidence outlined above, the variant was classified as likely pathogenic.

Labcorp Genetics (formerly Invitae), Labcorp
Classification: Pathogenic for Biotinidase deficiency. Last evaluated: 2023-12-12. Review status: criteria provided, single submitter. Criteria: Invitae Variant Classification Sherloc (09022015). Collection method: clinical testing. Allele origin: germline.
Comment: This sequence change replaces proline, which is neutral and non-polar, with serine, which is neutral and polar, at codon 253 of the BTD protein (p.Pro253Ser). This variant is not present in population databases (gnomAD no frequency). This missense change has been observed in individual(s) with biotinidase deficiency (PMID: 15776412). ClinVar contains an entry for this variant (Variation ID: 25039). Advanced modeling of protein sequence and biophysical properties (such as structural, functional, and spatial information, amino acid conservation, physicochemical variation, residue mobility, and thermodynamic stability) performed at Invitae indicates that this missense variant is expected to disrupt BTD protein function with a positive predictive value of 95%. This variant disrupts the p.Pro253 amino acid residue in BTD. Other variant(s) that disrupt this residue have been determined to be pathogenic (PMID: 26810761). This suggests that this residue is clinically significant, and that variants that disrupt this residue are likely to be disease-causing. For these reasons, this variant has been classified as Pathogenic.

Neuberg Centre For Genomic Medicine, NCGM
Classification: Likely pathogenic for Biotinidase deficiency. Review status: criteria provided, single submitter. Criteria: ACMG Guidelines, 2015. Collection method: clinical testing. Allele origin: germline. Affected: yes.
Comment: The missense variant p.P233S in BTD (NM_001281723.3) has been reported before as P253S in a patient with biotinidase deficiency in a compund heterozygous state with another frameshift variant (Wolf B et al,2005). It has been submitted to ClinVar as Pathogenic/ Variants of uncertain significance. The p.P233S variant is novel (not in any individuals) in gnomAD Exomes and is novel (not in any individuals) in 1000 Genomes. The p.P233S missense variant is predicted to be damaging by both SIFT and PolyPhen2. The proline residue at codon 233 of BTD is conserved in all mammalian species. The nucleotide c.697 in BTD is predicted conserved by GERP++ and PhyloP across 100 vertebrates. For these reasons, this variant has been classified as Likely Pathogenic.

SingHealth Duke-NUS Institute of Precision Medicine
Classification: Pathogenic for Biotinidase deficiency. Last evaluated: 2017-06-07. Review status: no assertion criteria provided. Collection method: curation. Allele origin: germline. Affected: no. Not counted in ClinVar's aggregate classification.

Counsyl
Classification: Uncertain significance for Biotinidase deficiency. Last evaluated: 2017-01-24. Review status: no assertion criteria provided. Collection method: clinical testing. Allele origin: unknown. Not counted in ClinVar's aggregate classification.

Literature cited by the submitters: PubMed 15776412 (cited by 4 submitters); PubMed 26810761 (cited by Labcorp Genetics (formerly Invitae), Labcorp).